The following is an entry in ClinVar:

ClinVar aggregate classification (germline): Uncertain significance (1 of 4 stars; one submission).

Submission:

Women's Health and Genetics/Laboratory Corporation of America, LabCorp
Classification: Uncertain significance. Last evaluated: 2026-03-04. Review status: criteria provided, single submitter. Criteria: LabCorp Variant Classification Summary - May 2015. Collection method: clinical testing. Allele origin: germline.
Comment: Variant summary: The variant involves the duplication of exons 1-35 in the NUP155 gene. A presumed nomenclature of c.(?_-130)_(*3764_?)dup has been designated for the purposes of this classification. This duplication includes the entire coding sequence of the gene. As exact breakpoints are unknown, it may extend beyond the annotated region of the gene, to include other flanking genes. Large duplication variants which cover all exons of the NUP155 gene (and also affect other flanking genes) were found in controls (gnomAD), e.g. a large duplication variant (size 311.7 kbp) was found at a frequency of 9.1e-05 in 120780 control chromosomes in the gnomAD database (Structural Variants v4.1 dataset). This frequency is not significantly higher than estimated for disease-causing variants in NUP155, allowing no conclusion about variant significance. To our knowledge, no occurrence of c.(?_-130)_(*3764_?)dup in individuals affected with NUP155-related conditions and no experimental evidence demonstrating its impact on protein function have been reported. No submitters have cited clinical-significance assessments for this variant to ClinVar. Based on the evidence outlined above, the variant was classified as uncertain significance.

NC_000005.9:g.(?_37288238)_(37371209_?)dup

Gene: NUP155 (nucleoporin 155; minus strand). Cytogenetic location: 5p13.2.
Variant type: Duplication.
Identifiers: ClinVar variation 4847467 (VCV004847467.1).